The following is an entry in ClinVar:

NM_000091.5(COL4A3):c.4134del (p.Pro1380fs)

Genes: MFF-DT (MFF divergent transcript; minus strand), COL4A3 (collagen type IV alpha 3 chain; plus strand). Cytogenetic location: 2q36.3.
Variant type: Deletion.
Coding change: c.4134del on transcript NM_000091.5 (MANE Select); coding-DNA position 4134, one base deleted (A; older notation c.4134delA).
Protein change: p.Pro1380fs; shifts the reading frame from proline 1380.
Molecular consequence: frameshift variant.
Genome position (GRCh38, 1-based): chr2:227,304,125, A deleted. VCF-style (leftmost placement, unchanged base first): chr2-227304124-CA-C. GRCh37 (hg19) VCF-style: chr2-228168840-CA-C.
Other names: short protein forms P1380fs.
Identifiers: ClinVar variation 5014244 (VCV005014244.1).

ClinVar aggregate classification (germline): Pathogenic (1 of 4 stars; one submission).

Conditions:
Alport syndrome. Also called: Hemorrhagic familial nephritis; Hemorrhagic hereditary nephritis; Congenital hereditary hematuria. Identifiers: Orphanet 63, MedGen C1567741, MONDO:0018965.

Submission:

Myriad Genetics, Inc.
Classification: Pathogenic for Alport syndrome. Last evaluated: 2025-03-21. Review status: criteria provided, single submitter. Criteria: Myriad Autosomal Dominant, Autosomal Recessive and X-Linked Classification Criteria (2023). Collection method: clinical testing. Allele origin: unknown.
Comment: NM_000091.4(COL4A3):c.4134delA(P1380Hfs*5) is expected to be pathogenic in the context of Alport syndrome, COL4A3-related. This variant is predicted to lead to an abnormal or absent protein product due to the creation of a premature termination codon in COL4A3, a gene where loss-of-function variants are known to be pathogenic. Please note: this variant was assessed in the context of healthy population screening.